The following is an entry in ClinVar:

ClinVar aggregate classification (germline): Uncertain significance (1 of 4 stars; one submission).

Conditions:
Cardiovascular phenotype. Identifiers: MedGen CN230736.

Allele frequency attached by ClinVar (database versions not stated): gnomAD exomes below 0.00001; gnomAD 0.00002; TOPMed 0.00002; 1000 Genomes Project 30x 0.00016; 1000 Genomes Project 0.00020.
gnomAD v4.1: 4 of 1,613,790 alleles (0.00025%); highest among the groups gnomAD compares: African/African-American, 0.0053%; no homozygotes.

Submission:

Ambry Genetics
Classification: Uncertain significance for Cardiovascular phenotype. Last evaluated: 2018-10-16. Review status: criteria provided, single submitter. Criteria: Ambry Variant Classification Scheme 2023. Collection method: clinical testing. Allele origin: germline.
Comment: The p.S20353Y variant (also known as c.61058C>A), located in coding exon 157 of the TTN gene, results from a C to A substitution at nucleotide position 61058. The serine at codon 20353 is replaced by tyrosine, an amino acid with dissimilar properties. This amino acid position is highly conserved in available vertebrate species. In addition, the in silico prediction for this alteration is inconclusive. Since supporting evidence is limited at this time, the clinical significance of this alteration remains unclear.

NM_001267550.2(TTN):c.88253C>A (p.Ser29418Tyr)

Genes: TTN (titin; minus strand), TTN-AS1 (TTN antisense RNA 1; plus strand). Cytogenetic location: 2q31.2.
Variant type: single nucleotide variant.
Coding change: c.88253C>A on transcript NM_001267550.2 (MANE Select); coding-DNA position 88253, C replaced by A.
Protein change: p.Ser29418Tyr; replaces serine 29418 with tyrosine.
Molecular consequence: missense variant.
Genome position (GRCh38, 1-based): chr2:178,556,901, G>T on the plus strand (C>A on the coding strand, the complement: TTN is on the minus strand). VCF-style: chr2-178556901-G-T. GRCh37 (hg19) VCF-style: chr2-179421628-G-T.
Other names: c.83330C>A, p.Ser27777Tyr (NM_001256850.1); c.61058C>A, p.Ser20353Tyr (NM_003319.4); c.80549C>A, p.Ser26850Tyr (NM_133378.4); c.61433C>A, p.Ser20478Tyr (NM_133432.3); c.61634C>A, p.Ser20545Tyr (NM_133437.4); short protein forms S20478Y, S29418Y, S20353Y, S27777Y, S20545Y, S26850Y.
Identifiers: ClinVar variation 1751642 (VCV001751642.2), dbSNP rs553614377, ClinGen allele CA1988180.